The following is an entry in ClinVar:

ClinVar aggregate classification (germline): Uncertain significance (1 of 4 stars; one submission).

gnomAD v4.1: 5 of 1,608,584 alleles (0.00031%); highest among the groups gnomAD compares: Non-Finnish European, 0.00043%; no homozygotes.

Submission:

Labcorp Genetics (formerly Invitae), Labcorp
Classification: Uncertain significance. Last evaluated: 2026-01-26. Review status: criteria provided, single submitter. Criteria: Invitae Variant Classification Sherloc (09022015). Collection method: clinical testing. Allele origin: germline.
Comment: This sequence change falls in intron 7 of the EPHA4 gene. It does not directly change the encoded amino acid sequence of the EPHA4 protein. It affects a nucleotide within the consensus splice site. This variant is not present in population databases (gnomAD no frequency). This variant has not been reported in the literature in individuals affected with EPHA4-related conditions. Variants that disrupt the consensus splice site are a relatively common cause of aberrant splicing (PMID: 17576681, 9536098). Algorithms developed to predict the effect of sequence changes on RNA splicing suggest that this variant is not likely to affect RNA splicing. In summary, the available evidence is currently insufficient to determine the role of this variant in disease. Therefore, it has been classified as a Variant of Uncertain Significance.

Literature cited by the submitters: PubMed 17576681; PubMed 9536098.

NM_004438.5(EPHA4):c.1604-3C>T

Gene: EPHA4 (EPH receptor A4; minus strand). Cytogenetic location: 2q36.1.
Variant type: single nucleotide variant.
Coding change: c.1604-3C>T on transcript NM_004438.5 (MANE Select); 3 bases into the intron before coding-DNA position 1604, C replaced by T.
Molecular consequence: intron variant.
Genome position (GRCh38, 1-based): chr2:221,455,661, G>A on the plus strand (C>T on the coding strand, the complement: EPHA4 is on the minus strand). VCF-style: chr2-221455661-G-A. GRCh37 (hg19) VCF-style: chr2-222320381-G-A.
Other names: c.1604-3C>T (NM_001304536.2, NM_001363748.2); c.1451-3C>T (NM_001304537.2).
Identifiers: ClinVar variation 4753035 (VCV004753035.1).